The following is an entry in ClinVar:

Conditions:
Breast-ovarian cancer, familial, susceptibility to, 1 (BROVCA1). Also called: BRCA1 Hereditary Breast and Ovarian Cancer; OVARIAN CANCER, SUSCEPTIBILITY TO. Identifiers: Orphanet 145, MedGen C2676676, MONDO:0011450, OMIM 604370. Disease mechanism: loss of function.

Submission:

Brotman Baty Institute, University of Washington
No classification provided (evidence only). Condition: Breast-ovarian cancer, familial 1. Review status: no classification provided. Collection method: in vitro. Allele origin: not applicable. Functional consequence: functionally_normal.
ClinVar note: "not provided" was previously submitted as the classification for the variant. However, the classification appeared to be based only on an observation of functional data so it was converted to no classification on 2025-07-30.

NM_007294.4(BRCA1):c.4904A>T (p.Glu1635Val)

Gene: BRCA1 (BRCA1 DNA repair associated; minus strand). Cytogenetic location: 17q21.31.
Variant type: single nucleotide variant.
Coding change: c.4904A>T on transcript NM_007294.4 (MANE Select); coding-DNA position 4904, A replaced by T.
Protein change: p.Glu1635Val; replaces glutamic acid 1635 with valine.
Molecular consequence: missense variant. On other transcripts: non-coding transcript variant (1).
Genome position (GRCh38, 1-based): chr17:43,071,010, T>A on the plus strand (A>T on the coding strand, the complement: BRCA1 is on the minus strand). VCF-style: chr17-43071010-T-A. GRCh37 (hg19) VCF-style: chr17-41223027-T-A.
Other names: c.4691A>T, p.Glu1564Val (NM_001407571.1, NM_001407904.1, NM_001407906.1 and 12 more transcripts); c.4970A>T, p.Glu1657Val (NM_001407581.1, NM_001407582.1); c.4967A>T, p.Glu1656Val (NM_001407583.1, NM_001407585.1, NM_001407587.1 and 1 more transcripts); c.4964A>T, p.Glu1655Val (NM_001407590.1, NM_001407591.1); c.4904A>T, p.Glu1635Val (NM_001407593.1, NM_001407594.1, NM_001407596.1 and 8 more transcripts); c.4901A>T, p.Glu1634Val (NM_001407610.1, NM_001407611.1, NM_001407612.1 and 17 more transcripts); c.4898A>T, p.Glu1633Val (NM_001407631.1, NM_001407632.1, NM_001407633.1 and 14 more transcripts); c.4826A>T, p.Glu1609Val (NM_001407653.1, NM_001407654.1, NM_001407655.1); and 70 more; short protein forms E531V, E1656V, E1588V, E1635V, E1466V, E1547V, E1563V, E1586V.
Identifiers: ClinVar variation 868840 (VCV000868840.3), dbSNP rs2052383280, ClinGen allele CA10591716.
Genomic context (GRCh38, chr17:43,071,010, plus strand): 5'-GACACCACCATGGACATTCTTTTGTTGACCCTTTCTGTTGAAGCTGTCAATTCTGGCTTC[T>A]CCCTGCTCACACTTTCTTCCATTGCATTATACCCAGCAGTATCAGTAGTATGAGCAGCAG-3'
Protein context (NP_009225.1, residues 1625-1645): YNAMEESVSR[Glu1635Val]KPELTASTER